The following is an entry in ClinVar:

ClinVar aggregate classification (germline): Likely benign. Review status: criteria provided, multiple submitters, no conflicts (2 of 4 stars). 3 submissions from 3 submitters: Likely benign (3). Last evaluated 2023-10-01.

Conditions:
Retinal dystrophy. Also called: Inherited retinal dystrophy. Identifiers: Orphanet 71862, MedGen C0854723, MeSH D058499, MONDO:0019118, HP:0000556.

Allele frequency attached by ClinVar (database versions not stated): ExAC 0.00002; 1000 Genomes Project 30x 0.00016; 1000 Genomes Project 0.00020.
gnomAD v4.1: 18 of 1,611,214 alleles (0.0011%); highest among the groups gnomAD compares: South Asian, 0.0044%; no homozygotes.

Submissions (3):

Dept Of Ophthalmology, Nagoya University
Classification: Likely benign for Retinal dystrophy. Last evaluated: 2023-10-01. Review status: criteria provided, single submitter. Criteria: Submitter's publication. Collection method: research. Allele origin: germline. Affected: yes.

CeGaT Center for Human Genetics Tuebingen
Classification: Likely benign. Last evaluated: 2023-08-01. Review status: criteria provided, single submitter. Criteria: CeGaT Center For Human Genetics Tuebingen Variant Classification Criteria Version 2. Collection method: clinical testing. Allele origin: germline. Affected: yes. Observed: 1 variant allele.
Comment: HK1: BP4, BP7

Labcorp Genetics (formerly Invitae), Labcorp
Classification: Likely benign. Last evaluated: 2022-12-02. Review status: criteria provided, single submitter. Criteria: Invitae Variant Classification Sherloc (09022015). Collection method: clinical testing. Allele origin: germline.

NM_000188.3(HK1):c.1560C>T (p.Pro520=)

Gene: HK1 (hexokinase 1; plus strand). Cytogenetic location: 10q22.1.
Variant type: single nucleotide variant.
Coding change: c.1560C>T on transcript NM_000188.3 (MANE Select); coding-DNA position 1560, C replaced by T.
Protein change: p.Pro520=; no amino-acid change (proline 520 retained).
Molecular consequence: synonymous variant.
Genome position (GRCh38, 1-based): chr10:69,382,781, C>T. VCF-style: chr10-69382781-C-T. GRCh37 (hg19) VCF-style: chr10-71142537-C-T.
Other names: c.1572C>T, p.Pro524= (NM_001322364.2, NM_001358263.1, NM_033497.3 and 1 more transcripts); c.1665C>T, p.Pro555= (NM_001322365.2); c.1476C>T, p.Pro492= (NM_001322366.1); c.1464C>T, p.Pro488= (NM_001322367.1); c.1557C>T, p.Pro519= (NM_033496.3); c.1524C>T, p.Pro508= (NM_033500.2).
Identifiers: ClinVar variation 1120886 (VCV001120886.32), dbSNP rs200419488, ClinGen allele CA5532622.